The following is an entry in ClinVar:

NM_004629.2(FANCG):c.701A>C (p.Glu234Ala)

Gene: FANCG (FA complementation group G; minus strand). Cytogenetic location: 9p13.3.
Variant type: single nucleotide variant.
Coding change: c.701A>C on transcript NM_004629.2 (MANE Select); coding-DNA position 701, A replaced by C.
Protein change: p.Glu234Ala; replaces glutamic acid 234 with alanine.
Molecular consequence: missense variant.
Genome position (GRCh38, 1-based): chr9:35,077,047, T>G on the plus strand (A>C on the coding strand, the complement: FANCG is on the minus strand). VCF-style: chr9-35077047-T-G. GRCh37 (hg19) VCF-style: chr9-35077044-T-G.
Other names: short protein forms E234A.
Identifiers: ClinVar variation 5036523 (VCV005036523.1).

ClinVar aggregate classification (germline): Uncertain significance (1 of 4 stars; one submission).

Conditions:
Inborn genetic diseases. Identifiers: MedGen C0950123, MeSH D030342.

Submission:

Ambry Genetics
Classification: Uncertain significance for Inborn genetic diseases. Last evaluated: 2026-08-04. Review status: criteria provided, single submitter. Criteria: Ambry Variant Classification Scheme 2023. Collection method: clinical testing. Allele origin: germline.
Comment: The p.E234A variant (also known as c.701A>C), located in coding exon 6 of the FANCG gene, results from an A to C substitution at nucleotide position 701. The glutamic acid at codon 234 is replaced by alanine, an amino acid with dissimilar properties. This amino acid position is conserved. In addition, this alteration is predicted to be tolerated by in silico analysis. Based on the available evidence, the clinical significance of this variant remains unclear.